The following is an entry in ClinVar:

ClinVar aggregate classification (germline): Pathogenic (1 of 4 stars; one submission).

Conditions:
X-linked severe combined immunodeficiency (SCIDX1). Also called: IMMUNODEFICIENCY 4; SCID, X-LINKED; SEVERE COMBINED IMMUNODEFICIENCY, X-LINKED, T CELL-NEGATIVE, B CELL-POSITIVE, NK CELL-NEGATIVE; X-Linked Combined Immunodeficiency Diseases; T-B+ severe combined immunodeficiency due to gamma chain deficiency. Identifiers: Orphanet 276, MedGen C6022468, MONDO:0010315, OMIM 300400. Disease mechanism: loss of function.

Submission:

Labcorp Genetics (formerly Invitae), Labcorp
Classification: Pathogenic for X-linked severe combined immunodeficiency. Last evaluated: 2024-12-09. Review status: criteria provided, single submitter. Criteria: Invitae Variant Classification Sherloc (09022015). Collection method: clinical testing. Allele origin: germline.
Comment: This sequence change creates a premature translational stop signal (p.Leu321Alafs*6) in the IL2RG gene. While this is not anticipated to result in nonsense mediated decay, it is expected to disrupt the last 49 amino acid(s) of the IL2RG protein. This variant is not present in population databases (gnomAD no frequency). This premature translational stop signal has been observed in individuals with severe combined immunodeficiency (PMID: 8027558). Algorithms developed to predict the effect of variants on gene product structure and function are not available or were not evaluated for this variant. Experimental studies have shown that this premature translational stop signal affects IL2RG function (PMID: 8027558). Algorithms developed to predict the effect of sequence changes on RNA splicing suggest that this variant may disrupt the consensus splice site. This variant disrupts the p.Leu321 amino acid residue in IL2RG. Other variant(s) that disrupt this residue have been determined to be pathogenic (PMID: 7683423, 7973658, 7973659). This suggests that this residue is clinically significant, and that variants that disrupt this residue are likely to be disease-causing. For these reasons, this variant has been classified as Pathogenic.

Literature cited by the submitters: PubMed 8027558; PubMed 7683423; PubMed 7973658; PubMed 7973659.

NM_000206.3(IL2RG):c.958_959del (p.Leu321fs)

Gene: IL2RG (interleukin 2 receptor subunit gamma; minus strand). Cytogenetic location: Xq13.1.
Variant type: Microsatellite.
Coding change: c.958_959del on transcript NM_000206.3 (MANE Select); coding-DNA positions 958 to 959, 2 bases deleted (AG; older notation c.958_959delAG).
Protein change: p.Leu321fs; shifts the reading frame from leucine 321.
Molecular consequence: frameshift variant.
Genome position (GRCh38, 1-based): chrX:71,107,887-71,107,888, CT deleted on the plus strand (AG on the coding strand, the reverse complement: IL2RG is on the minus strand); deleting any 2 consecutive bases within chrX:71,107,887-71,107,891 gives the same sequence; the c. name uses the placement nearest the transcript's 3' end. VCF-style (leftmost placement, unchanged base first): chrX-71107886-ACT-A. GRCh37 (hg19) VCF-style: chrX-70327736-ACT-A.
Other names: c.958_959delAG (NM_000206.2); short protein forms L321fs.
Identifiers: ClinVar variation 658867 (VCV000658867.8), dbSNP rs1602288051, ClinGen allele CA915951160.